The following is an entry in ClinVar:

NM_025114.4(CEP290):c.5726T>G (p.Leu1909Ter)

Gene: CEP290 (centrosomal protein 290; minus strand). Cytogenetic location: 12q21.32.
Variant type: single nucleotide variant.
Coding change: c.5726T>G on transcript NM_025114.4 (MANE Select); coding-DNA position 5726, T replaced by G.
Protein change: p.Leu1909Ter; replaces leucine 1909 with a stop codon.
Molecular consequence: nonsense.
Genome position (GRCh38, 1-based): chr12:88,071,910, A>C on the plus strand (T>G on the coding strand, the complement: CEP290 is on the minus strand). VCF-style: chr12-88071910-A-C. GRCh37 (hg19) VCF-style: chr12-88465687-A-C.
Other names: short protein forms L1909*.
Identifiers: ClinVar variation 2502417 (VCV002502417.1), dbSNP rs2499745673, ClinGen allele CA385985247.

ClinVar aggregate classification (germline): Pathogenic (1 of 4 stars; one submission).

Conditions:
CEP290-related disorder. Also called: CEP290-related condition; CEP290-related disorders. Identifiers: MedGen CN239314.

Submission:

Pangenia Genomics, Pangenia Inc.
Classification: Pathogenic for CEP290-related disorder. Last evaluated: 2021-11-18. Review status: criteria provided, single submitter. Criteria: ACMG Guidelines, 2015. Collection method: research. Allele origin: unknown. Inheritance: Autosomal recessive inheritance. Affected: yes. Observed: 1 heterozygote.
Comment: The CEP29, c.5726T>G (p.Leu1909*) variant creates a premature translational stop signal in the CEP290 gene, expected to result in an absent or disrupted protein product. Loss-of-function variants in the CEP290 gene are known to be disease-causing [PMID: 16909394, 17345604, 20690115]. This variant is absent from controls in population database. This variant is detected together with another pathogenic variant [CEP290, c.367C>T (p.Gln123*)] in the CEP290 gene.